The following is an entry in ClinVar:

ClinVar aggregate classification (germline): Likely pathogenic (1 of 4 stars; one submission).

Conditions:
Retinitis pigmentosa 3. Also called: CHOROIDORETINAL DEGENERATION WITH RETINAL REFLEX IN HETEROZYGOUS WOMEN. Identifiers: Orphanet 791, MedGen C1845667, MONDO:0010227, OMIM 300029.

Submission:

SingHealth Duke-NUS Institute of Precision Medicine
Classification: Likely pathogenic for Retinitis pigmentosa 3. Last evaluated: 2025-02-05. Review status: criteria provided, single submitter. Criteria: PRISM ACMG Classification Criteria. Collection method: clinical testing. Allele origin: germline. Affected: yes.
Comment: Variant is predicted to cause LOF (PVS1). Variant is not found in gnomAD genomes or exomes (PM2)

NM_001034853.2(RPGR):c.2663_2667dup (p.Glu890fs)

Gene: RPGR (retinitis pigmentosa GTPase regulator; minus strand). Cytogenetic location: Xp11.4.
Variant type: Duplication.
Coding change: c.2663_2667dup on transcript NM_001034853.2 (MANE Select); coding-DNA positions 2663 to 2667, 5 bases duplicated (AAGAG; older notation c.2663_2667dupAAGAG).
Protein change: p.Glu890fs; shifts the reading frame from glutamic acid 890.
Molecular consequence: frameshift variant. On other transcripts: intron variant (8).
Genome position (GRCh38, 1-based): chrX:38,286,332-38,286,336, CTCTT duplicated on the plus strand (AAGAG on the coding strand, the reverse complement: RPGR is on the minus strand); duplicating any 5 consecutive bases within chrX:38,286,332-38,286,339 gives the same sequence; the c. name uses the placement nearest the transcript's 3' end. VCF-style (leftmost placement, unchanged base first): chrX-38286331-C-CCTCTT. GRCh37 (hg19) VCF-style: chrX-38145584-C-CCTCTT.
Other names: c.1569+4623_1569+4627dup (NM_001367249.1, NM_001367250.1); c.1902+758_1902+762dup (NM_001367245.1); c.1386+4623_1386+4627dup (NM_001367251.1); c.1719+758_1719+762dup (NM_001367246.1); c.1572+4623_1572+4627dup (NM_001367247.1); c.1905+758_1905+762dup (NM_000328.3); c.1602+4623_1602+4627dup (NM_001367248.1); short protein forms E890fs.
Identifiers: ClinVar variation 3767369 (VCV003767369.1).